The following is an entry in ClinVar:

NM_018060.4(IARS2):c.554G>A (p.Arg185Lys)

Gene: IARS2 (isoleucyl-tRNA synthetase 2, mitochondrial; plus strand). Cytogenetic location: 1q41.
Variant type: single nucleotide variant.
Coding change: c.554G>A on transcript NM_018060.4 (MANE Select); coding-DNA position 554, G replaced by A.
Protein change: p.Arg185Lys; replaces arginine 185 with lysine.
Molecular consequence: missense variant.
Genome position (GRCh38, 1-based): chr1:220,102,132, G>A. VCF-style: chr1-220102132-G-A. GRCh37 (hg19) VCF-style: chr1-220275474-G-A.
Other names: c.554G>A (NM_018060.3); short protein forms R185K.
Identifiers: ClinVar variation 1354872 (VCV001354872.7), dbSNP rs779751372, ClinGen allele CA37539757.

ClinVar aggregate classification (germline): Uncertain significance. Review status: criteria provided, multiple submitters, no conflicts (2 of 4 stars). 2 submissions from 2 submitters: Uncertain significance (2). Last evaluated 2022-09-28.

Conditions:
Inborn genetic diseases. Identifiers: MedGen C0950123, MeSH D030342.

Allele frequency attached by ClinVar (database versions not stated): gnomAD exomes below 0.00001 and 0.00003; TOPMed 0.00001; gnomAD 0.00002.
gnomAD v4.1: 41 of 1,595,038 alleles (0.0026%); highest among the groups gnomAD compares: African/African-American, 0.0041%; no homozygotes.

Submissions (2):

Ambry Genetics
Classification: Uncertain significance for Inborn genetic diseases. Last evaluated: 2022-09-28. Review status: criteria provided, single submitter. Criteria: Ambry Variant Classification Scheme 2023. Collection method: clinical testing. Allele origin: germline.

Labcorp Genetics (formerly Invitae), Labcorp
Classification: Uncertain significance. Last evaluated: 2021-09-15. Review status: criteria provided, single submitter. Criteria: Invitae Variant Classification Sherloc (09022015). Collection method: clinical testing. Allele origin: germline.
Comment: This sequence change replaces arginine with lysine at codon 185 of the IARS2 protein (p.Arg185Lys). The arginine residue is moderately conserved and there is a small physicochemical difference between arginine and lysine. In summary, the available evidence is currently insufficient to determine the role of this variant in disease. Therefore, it has been classified as a Variant of Uncertain Significance. Algorithms developed to predict the effect of missense changes on protein structure and function (SIFT, PolyPhen-2, Align-GVGD) all suggest that this variant is likely to be tolerated. This variant has not been reported in the literature in individuals affected with IARS2-related conditions. This variant is not present in population databases (ExAC no frequency).